The following is an entry in ClinVar:

ClinVar aggregate classification (germline): Uncertain significance. Review status: criteria provided, single submitter (1 of 4 stars). 2 submissions from 2 submitters: Uncertain significance (1). 1 of the submissions does not count toward it. Last evaluated 2021-11-21.

Conditions:
Alstrom syndrome (ALMS). Identifiers: Orphanet 64, MedGen C0268425, MONDO:0008763, OMIM 203800.

Submissions (2):

Labcorp Genetics (formerly Invitae), Labcorp
Classification: Uncertain significance for Alstrom syndrome. Last evaluated: 2021-11-21. Review status: criteria provided, single submitter. Criteria: Invitae Variant Classification Sherloc (09022015). Collection method: clinical testing. Allele origin: germline.
Comment: In summary, the available evidence is currently insufficient to determine the role of this variant in disease. Therefore, it has been classified as a Variant of Uncertain Significance. This sequence change creates a premature translational stop signal (p.Lys4155Argfs*3) in the ALMS1 gene. While this is not anticipated to result in nonsense mediated decay, it is expected to disrupt the last 15 amino acid(s) of the ALMS1 protein. This variant is not present in population databases (gnomAD no frequency). This variant has not been reported in the literature in individuals affected with ALMS1-related conditions. ClinVar contains an entry for this variant (Variation ID: 551064).

Counsyl
Classification: Uncertain significance for Alstrom syndrome. Last evaluated: 2017-03-09. Review status: no assertion criteria provided. Collection method: clinical testing. Allele origin: unknown. Not counted in ClinVar's aggregate classification.

NM_001378454.1(ALMS1):c.12461del (p.Lys4154fs)

Gene: ALMS1 (ALMS1 centrosome and basal body associated protein; plus strand). Cytogenetic location: 2p13.1.
Variant type: Deletion.
Coding change: c.12461del on transcript NM_001378454.1 (MANE Select); coding-DNA position 12461, one base deleted (A; older notation c.12461delA).
Protein change: p.Lys4154fs; shifts the reading frame from lysine 4154.
Molecular consequence: frameshift variant.
Genome position (GRCh38, 1-based): chr2:73,608,573, A deleted; the last of 5 consecutive A bases (chr2:73,608,569-73,608,573); deleting any one gives the same sequence. VCF-style (leftmost placement, unchanged base first): chr2-73608568-TA-T. GRCh37 (hg19) VCF-style: chr2-73835695-TA-T.
Other names: c.12464del, p.Lys4155fs (NM_015120.4); c.12464delA (NM_015120.4); short protein forms K4155fs, K4154fs.
Identifiers: ClinVar variation 551064 (VCV000551064.6), dbSNP rs1553422659, ClinGen allele CA658822407.
Genomic context (GRCh38, chr2:73,608,568, plus strand): 5'-GAGAGAAGAAGAGAAGAGAAAATCAGAATATAAGTCATACCGGCTGCGAGCCCAGCTATA[TA>T]AAAAGGTCAGTGGGTCCTCTGTCTAGAGTGGGATGGATCAGGTTTATTGGCGGAAAGAGA-3'